The following is an entry in ClinVar:

ClinVar aggregate classification (germline): Uncertain significance. Review status: criteria provided, multiple submitters, no conflicts (2 of 4 stars). 2 submissions from 2 submitters: Uncertain significance (2). Last evaluated 2025-08-25.

Conditions:
Charcot-Marie-Tooth disease type 2. Also called: Charcot-Marie-Tooth type 2. Identifiers: Orphanet 64746, MedGen C0270914, MONDO:0018993.
Inborn genetic diseases. Identifiers: MedGen C0950123, MeSH D030342.

gnomAD v4.1: 4 of 1,614,076 alleles (0.00025%); highest among the groups gnomAD compares: Non-Finnish European, 0.00034%; no homozygotes.

Submissions (2):

Ambry Genetics
Classification: Uncertain significance for Inborn genetic diseases. Last evaluated: 2025-08-25. Review status: criteria provided, single submitter. Criteria: Ambry Variant Classification Scheme 2023. Collection method: clinical testing. Allele origin: germline.

Labcorp Genetics (formerly Invitae), Labcorp
Classification: Uncertain significance for Charcot-Marie-Tooth disease type 2. Last evaluated: 2024-03-27. Review status: criteria provided, single submitter. Criteria: Invitae Variant Classification Sherloc (09022015). Collection method: clinical testing. Allele origin: germline.
Comment: This sequence change replaces proline, which is neutral and non-polar, with leucine, which is neutral and non-polar, at codon 5 of the BSCL2 protein (p.Pro5Leu). This variant is not present in population databases (gnomAD no frequency). This variant has not been reported in the literature in individuals affected with BSCL2-related conditions. An algorithm developed to predict the effect of missense changes on protein structure and function (PolyPhen-2) suggests that this variant is likely to be disruptive. In summary, the available evidence is currently insufficient to determine the role of this variant in disease. Therefore, it has been classified as a Variant of Uncertain Significance.

NM_001122955.4(BSCL2):c.206C>T (p.Pro69Leu)

Genes: BSCL2 (BSCL2 lipid droplet biogenesis associated, seipin; minus strand), HNRNPUL2-BSCL2 (HNRNPUL2-BSCL2 readthrough (NMD candidate); minus strand). Cytogenetic location: 11q12.3.
Variant type: single nucleotide variant.
Coding change: c.206C>T on transcript NM_001122955.4 (MANE Select); coding-DNA position 206, C replaced by T.
Protein change: p.Pro69Leu; replaces proline 69 with leucine.
Molecular consequence: missense variant. On other transcripts: non-coding transcript variant (1).
Genome position (GRCh38, 1-based): chr11:62,705,499, G>A on the plus strand (C>T on the coding strand, the complement: BSCL2 is on the minus strand). VCF-style: chr11-62705499-G-A. GRCh37 (hg19) VCF-style: chr11-62472971-G-A.
Other names: c.14C>T, p.Pro5Leu (NM_001130702.2, NM_032667.6); c.206C>T, p.Pro69Leu (NM_001386027.1, NM_001386028.1); short protein forms P5L, P69L.
Identifiers: ClinVar variation 3647742 (VCV003647742.3).